The following is an entry in ClinVar:

ClinVar aggregate classification (germline): Conflicting classifications of pathogenicity. Review status: criteria provided, conflicting classifications (1 of 4 stars). 3 submissions from 3 submitters: Uncertain significance (2); Likely benign (1). Last evaluated 2023-03-23.

Conditions:
Hereditary cancer-predisposing syndrome. Also called: Neoplastic Syndromes, Hereditary; Tumor predisposition; Hereditary Cancer Syndrome; Hereditary neoplastic syndrome. Identifiers: Orphanet 140162, MedGen C0027672, MeSH D009386, MONDO:0015356.
Hereditary breast ovarian cancer syndrome. Also called: Hereditary breast and ovarian cancer; Hereditary breast and ovarian cancer syndrome (HBOC); BRCA1- and BRCA2-Associated Hereditary Breast and Ovarian Cancer; Hereditary breast and ovarian cancer syndrome; Hereditary breast and/or ovarian cancer syndrome; Breast and ovarian cancer. Identifiers: Orphanet 145, MedGen C0677776, MeSH D061325, MONDO:0003582. Disease mechanism: loss of function.

Allele frequency attached by ClinVar (database versions not stated): gnomAD exomes below 0.00001.
gnomAD v4.1: 3 of 1,613,828 alleles (0.00019%); highest among the groups gnomAD compares: Non-Finnish European, 0.00025%; no homozygotes.

Submissions (3):

University of Washington Department of Laboratory Medicine, University of Washington
Classification: Likely benign for Hereditary cancer-predisposing syndrome. Last evaluated: 2023-03-23. Review status: criteria provided, single submitter. Criteria: Dines et al. (Genet Med. 2020). Collection method: curation. Allele origin: germline.
Comment: Missense variant in a coldspot region where missense variants are very unlikely to be pathogenic (PMID:31911673).

BRCA2 exon 11 coldspot. Reclassification based on statistical prior probability.

Labcorp Genetics (formerly Invitae), Labcorp
Classification: Uncertain significance for Hereditary breast ovarian cancer syndrome. Last evaluated: 2021-09-29. Review status: criteria provided, single submitter. Criteria: Invitae Variant Classification Sherloc (09022015). Collection method: clinical testing. Allele origin: germline.
Comment: In summary, the available evidence is currently insufficient to determine the role of this variant in disease. Therefore, it has been classified as a Variant of Uncertain Significance. Algorithms developed to predict the effect of missense changes on protein structure and function output the following: SIFT: "Tolerated"; PolyPhen-2: "Benign"; Align-GVGD: "Class C0". The asparagine amino acid residue is found in multiple mammalian species, which suggests that this missense change does not adversely affect protein function. This missense change has been observed in individual(s) with hereditary breast and ovarian cancer syndrome (PMID: 27383479). This variant is not present in population databases (ExAC no frequency). This sequence change replaces serine with asparagine at codon 1004 of the BRCA2 protein (p.Ser1004Asn). The serine residue is weakly conserved and there is a small physicochemical difference between serine and asparagine.

Color Diagnostics, LLC DBA Color Health
Classification: Uncertain significance for Hereditary cancer-predisposing syndrome. Last evaluated: 2019-06-05. Review status: criteria provided, single submitter. Criteria: ACMG Guidelines, 2015. Collection method: clinical testing. Allele origin: germline.

Literature cited by the submitters: PubMed 27383479 (cited by Labcorp Genetics (formerly Invitae), Labcorp).

NM_000059.4(BRCA2):c.3011G>A (p.Ser1004Asn)

Gene: BRCA2 (BRCA2 DNA repair associated; plus strand). Cytogenetic location: 13q13.1.
Variant type: single nucleotide variant.
Coding change: c.3011G>A on transcript NM_000059.4 (MANE Select); coding-DNA position 3011, G replaced by A.
Protein change: p.Ser1004Asn; replaces serine 1004 with asparagine.
Molecular consequence: missense variant.
Genome position (GRCh38, 1-based): chr13:32,337,366, G>A. VCF-style: chr13-32337366-G-A. GRCh37 (hg19) VCF-style: chr13-32911503-G-A.
Other names: short protein forms S1004N.
Identifiers: ClinVar variation 640143 (VCV000640143.8), dbSNP rs1593898366, ClinGen allele CA387774747.